The following is an entry in ClinVar:

NM_001040142.2(SCN2A):c.4534C>T (p.Pro1512Ser)

Gene: SCN2A (sodium voltage-gated channel alpha subunit 2; plus strand). Cytogenetic location: 2q24.3.
Variant type: single nucleotide variant.
Coding change: c.4534C>T on transcript NM_001040142.2 (MANE Select); coding-DNA position 4534, C replaced by T.
Protein change: p.Pro1512Ser; replaces proline 1512 with serine.
Molecular consequence: missense variant.
Genome position (GRCh38, 1-based): chr2:165,381,180, C>T. VCF-style: chr2-165381180-C-T. GRCh37 (hg19) VCF-style: chr2-166237690-C-T.
Other names: c.4534C>T, p.Pro1512Ser (NM_001040143.2, NM_001371246.1, NM_001371247.1 and 1 more transcripts); short protein forms P1512S.
Identifiers: ClinVar variation 586496 (VCV000586496.25), dbSNP rs1558879940, ClinGen allele CA349034935.

ClinVar aggregate classification (germline): Conflicting classifications of pathogenicity. Review status: criteria provided, conflicting classifications (1 of 4 stars). 3 submissions from 3 submitters: Likely pathogenic (1); Uncertain significance (2). Last evaluated 2024-01-01.

Submissions (3):

CeGaT Center for Human Genetics Tuebingen
Classification: Likely pathogenic. Last evaluated: 2024-01-01. Review status: criteria provided, single submitter. Criteria: CeGaT Center For Human Genetics Tuebingen Variant Classification Criteria Version 2. Collection method: clinical testing. Allele origin: germline. Affected: yes. Observed: 1 variant allele.
Comment: SCN2A: PM2, PM6, PP2, PP3

GeneDx
Classification: Uncertain significance. Last evaluated: 2023-09-21. Review status: criteria provided, single submitter. Criteria: GeneDx Variant Classification Process June 2021. Collection method: clinical testing. Allele origin: germline. Affected: yes.
Comment: Not observed at significant frequency in large population cohorts (gnomAD); Missense variants in this gene are often considered pathogenic (HGMD); In silico analysis supports that this missense variant has a deleterious effect on protein structure/function; Has not been previously published as pathogenic or benign to our knowledge; This substitution is predicted to be within the C-terminal cytoplasmic domain.

Athena Diagnostics
Classification: Uncertain significance. Last evaluated: 2018-07-09. Review status: criteria provided, single submitter. Criteria: Athena Diagnostics Criteria. Collection method: clinical testing. Allele origin: germline.